The following is an entry in ClinVar:

NM_018475.5(TMEM165):c.892A>G (p.Arg298Gly)

Gene: TMEM165 (transmembrane protein 165; plus strand). Cytogenetic location: 4q12.
Variant type: single nucleotide variant.
Coding change: c.892A>G on transcript NM_018475.5 (MANE Select); coding-DNA position 892, A replaced by G.
Protein change: p.Arg298Gly; replaces arginine 298 with glycine.
Molecular consequence: missense variant. On other transcripts: non-coding transcript variant (1).
Genome position (GRCh38, 1-based): chr4:55,424,637, A>G. VCF-style: chr4-55424637-A-G. GRCh37 (hg19) VCF-style: chr4-56290804-A-G.
Other names: short protein forms R298G.
Identifiers: ClinVar variation 473210 (VCV000473210.8), dbSNP rs1310344895, ClinGen allele CA356905607.
Genomic context (GRCh38, chr4:55,424,637, plus strand): 5'-TGCCTGTGCACGGGATTGGCAGTAATTGGAGGAAGAATGATAGCACAGAAAATCTCTGTC[A>G]GAACTGGTAAGTCTTGAAAATTACAAATCAGATAACATTTTAGAATCACTGAGAGATTAA-3'
Protein context (NP_060945.2, residues 288-308): GRMIAQKISV[Arg298Gly]TVTIIGGIVF

ClinVar aggregate classification (germline): Uncertain significance (1 of 4 stars; one submission).

Conditions:
TMEM165-congenital disorder of glycosylation. Also called: CDG IIk; Congenital disorder of glycosylation type 2k; TMEM165-CDG. Identifiers: Orphanet 314667, MedGen C3553571, MONDO:0013870, OMIM 614727.

Allele frequency attached by ClinVar (database versions not stated): gnomAD exomes below 0.00001.
gnomAD v4.1: 1 of 1,590,216 alleles (0.000063%); highest among the groups gnomAD compares: East Asian, 0.0022%; no homozygotes.

Submission:

Labcorp Genetics (formerly Invitae), Labcorp
Classification: Uncertain significance for TMEM165-congenital disorder of glycosylation. Last evaluated: 2018-01-13. Review status: criteria provided, single submitter. Criteria: Invitae Variant Classification Sherloc (09022015). Collection method: clinical testing. Allele origin: germline.
Comment: In summary, this variant is a novel missense change with uncertain impact on protein function. It has been classified as a Variant of Uncertain Significance. Algorithms developed to predict the effect of missense changes on protein structure and function do not agree on the potential impact of this missense change (SIFT: "Deleterious"; PolyPhen-2: "Probably Damaging"; Align-GVGD: "Class C0"). This variant is not present in population databases (ExAC no frequency) and has not been reported in the literature in individuals with a TMEM165-related disease. This sequence change replaces arginine with glycine at codon 298 of the TMEM165 protein (p.Arg298Gly). The arginine residue is highly conserved and there is a moderate physicochemical difference between arginine and glycine.